The following is an entry in ClinVar:

NM_201384.3(PLEC):c.4663G>A (p.Ala1555Thr)

Gene: PLEC (plectin; minus strand). Cytogenetic location: 8q24.3.
Variant type: single nucleotide variant.
Coding change: c.4663G>A on transcript NM_201384.3 (MANE Select); coding-DNA position 4663, G replaced by A.
Protein change: p.Ala1555Thr; replaces alanine 1555 with threonine.
Molecular consequence: missense variant. On other transcripts: intron variant (1).
Genome position (GRCh38, 1-based): chr8:143,925,266, C>T on the plus strand (G>A on the coding strand, the complement: PLEC is on the minus strand). VCF-style: chr8-143925266-C-T. GRCh37 (hg19) VCF-style: chr8-144999434-C-T.
Other names: c.4744G>A, p.Ala1582Thr (NM_000445.5); c.4621G>A, p.Ala1541Thr (NM_201378.4); c.4597G>A, p.Ala1533Thr (NM_201379.3); c.5074G>A, p.Ala1692Thr (NM_201380.4); c.4567G>A, p.Ala1523Thr (NM_201381.3); c.4663G>A, p.Ala1555Thr (NM_201382.4); c.4675G>A, p.Ala1559Thr (NM_201383.3); c.4125+1518G>A (NM_001410941.1); short protein forms A1541T, A1555T, A1523T, A1559T, A1582T, A1692T, A1533T.
Identifiers: ClinVar variation 4791737 (VCV004791737.1).

ClinVar aggregate classification (germline): Uncertain significance (1 of 4 stars; one submission).

Conditions:
Epidermolysis bullosa simplex with nail dystrophy (EBS5D). Identifiers: MedGen C4225309, MONDO:0014661, OMIM 616487.
Epidermolysis bullosa simplex, Ogna type (EBS5A). Also called: EPIDERMOLYSIS BULLOSA SIMPLEX 5A, OGNA TYPE; Pidermolysis bullosa simplex 5A, Ogna type. Identifiers: Orphanet 79401, MedGen C0432317, MONDO:0007555, OMIM 131950.
Autosomal recessive limb-girdle muscular dystrophy type 2Q (LGMDR17). Also called: MUSCULAR DYSTROPHY, LIMB-GIRDLE, AUTOSOMAL RECESSIVE 17. Identifiers: Orphanet 254361, MedGen C3150989, MONDO:0013390, OMIM 613723.
Epidermolysis bullosa simplex 5B, with muscular dystrophy (EBS5B). Also called: EPIDERMOLYSIS BULLOSA SIMPLEX AND LIMB-GIRDLE MUSCULAR DYSTROPHY; Epidermolysis bullosa simplex with muscular dystrophy. Identifiers: Orphanet 257, MedGen C2931072, MONDO:0009181, OMIM 226670.
Epidermolysis bullosa simplex 5C, with pyloric atresia (EBS5C). Also called: PLEC-Related Epidermolysis Bullosa with Pyloric Atresia; Epidermolysis bullosa simplex with pyloric atresia; PLEC1-Related Epidermolysis Bullosa with Pyloric Atresia. Identifiers: Orphanet 158684, MedGen C2677349, MONDO:0012807, OMIM 612138.

Submission:

Labcorp Genetics (formerly Invitae), Labcorp
Classification: Uncertain significance for Autosomal recessive limb-girdle muscular dystrophy type 2Q; Epidermolysis bullosa simplex, Ogna type; Epidermolysis bullosa simplex with nail dystrophy; Epidermolysis bullosa simplex 5C, with pyloric atresia; Epidermolysis bullosa simplex 5B, with muscular dystrophy. Last evaluated: 2026-01-02. Review status: criteria provided, single submitter. Criteria: Invitae Variant Classification Sherloc (09022015). Collection method: clinical testing. Allele origin: germline.
Comment: This sequence change replaces alanine, which is neutral and non-polar, with threonine, which is neutral and polar, at codon 1582 of the PLEC protein (p.Ala1582Thr). This variant is not present in population databases (gnomAD no frequency). This variant has not been reported in the literature in individuals affected with PLEC-related conditions. Experimental studies and prediction algorithms are not available or were not evaluated, and the functional significance of this variant is currently unknown. In summary, the available evidence is currently insufficient to determine the role of this variant in disease. Therefore, it has been classified as a Variant of Uncertain Significance.